The following is an entry in ClinVar:

ClinVar aggregate classification (germline): Likely benign. Review status: criteria provided, multiple submitters, no conflicts (2 of 4 stars). 3 submissions from 3 submitters: Likely benign (3). Last evaluated 2026-04-26.

Conditions:
Breast-ovarian cancer, familial, susceptibility to, 4. Identifiers: Orphanet 145, MedGen C3280345, MONDO:0013669, OMIM 614291.

gnomAD v4.1: 2 of 1,612,416 alleles (0.00012%); highest among the groups gnomAD compares: Admixed American, 0.0033%; no homozygotes.

Submissions (3):

Women's Health and Genetics/Laboratory Corporation of America, LabCorp
Classification: Likely benign. Last evaluated: 2026-04-26. Review status: criteria provided, single submitter. Criteria: LabCorp Variant Classification Summary - May 2015. Collection method: clinical testing. Allele origin: germline.

Myriad Genetics, Inc.
Classification: Likely benign for Breast-ovarian cancer, familial, susceptibility to, 4. Last evaluated: 2025-02-20. Review status: criteria provided, single submitter. Criteria: Myriad Autosomal Dominant, Autosomal Recessive and X-Linked Classification Criteria (2023). Collection method: clinical testing. Allele origin: unknown.
Comment: This variant is considered likely benign. This variant is intronic and is not expected to impact mRNA splicing.

Labcorp Genetics (formerly Invitae), Labcorp
Classification: Likely benign for Breast-ovarian cancer, familial, susceptibility to, 4. Last evaluated: 2024-11-24. Review status: criteria provided, single submitter. Criteria: Invitae Variant Classification Sherloc (09022015). Collection method: clinical testing. Allele origin: germline.

NM_002878.4(RAD51D):c.145-7T>C

Genes: RAD51D (RAD51 paralog D; minus strand), RAD51L3-RFFL (RAD51L3-RFFL readthrough; minus strand). Cytogenetic location: 17q12.
Variant type: single nucleotide variant.
Coding change: c.145-7T>C on transcript NM_002878.4 (MANE Select); 7 bases into the intron before coding-DNA position 145, T replaced by C.
Molecular consequence: intron variant.
Genome position (GRCh38, 1-based): chr17:35,118,626, A>G on the plus strand (T>C on the coding strand, the complement: RAD51D is on the minus strand). VCF-style: chr17-35118626-A-G. GRCh37 (hg19) VCF-style: chr17-33445645-A-G.
Other names: c.144+485T>C (NM_133629.3, NM_001142571.2).
Identifiers: ClinVar variation 3696791 (VCV003696791.4).